The following is an entry in ClinVar:

NM_015271.5(TRIM2):c.2226C>G (p.Gly742=)

Gene: TRIM2 (tripartite motif containing 2; plus strand). Cytogenetic location: 4q31.3.
Variant type: single nucleotide variant.
Coding change: c.2226C>G on transcript NM_015271.5 (MANE Select); coding-DNA position 2226, C replaced by G.
Protein change: p.Gly742=; no amino-acid change (glycine 742 retained).
Molecular consequence: synonymous variant.
Genome position (GRCh38, 1-based): chr4:153,334,876, C>G. VCF-style: chr4-153334876-C-G. GRCh37 (hg19) VCF-style: chr4-154256028-C-G.
Other names: c.2145C>G, p.Gly715= (NM_001130067.2, NM_001375512.1, NM_001375513.1 and 4 more transcripts); c.2211C>G, p.Gly737= (NM_001351054.2); c.2208C>G, p.Gly736= (NM_001351055.2); c.2157C>G, p.Gly719= (NM_001351056.2); c.1770C>G, p.Gly590= (NM_001351057.2); c.2319C>G, p.Gly773= (NM_001375488.1); c.2316C>G, p.Gly772= (NM_001375489.1); c.2169C>G, p.Gly723= (NM_001375490.1); and 4 more.
Identifiers: ClinVar variation 1646417 (VCV001646417.30), dbSNP rs1195853126, ClinGen allele CA441780942.
Genomic context (GRCh38, chr4:153,334,876, plus strand): 5'-TTTTGATGGGAGTGGATCATTTTTGTCCTACATTAACACATCTGCTGACCCACTCTATGG[C>G]CCCCAAGGCCTGGCCCTAACTTCAGATGGTCATGTTGTGGTTGCAGACTCTGGAAATCAC-3'
Protein context (NP_056086.2, residues 732-752): YINTSADPLY[Gly742=]PQGLALTSDG

ClinVar aggregate classification (germline): Likely benign. Review status: criteria provided, multiple submitters, no conflicts (2 of 4 stars). 2 submissions from 2 submitters: Likely benign (2). Last evaluated 2023-12-01.

Conditions:
Charcot-Marie-Tooth disease type 2R. Also called: Charcot-Marie-Tooth disease, axonal, type 2R; CHARCOT-MARIE-TOOTH NEUROPATHY, TYPE 2R; CHARCOT-MARIE-TOOTH DISEASE, AXONAL, AUTOSOMAL RECESSIVE, TYPE 2R. Identifiers: Orphanet 397968, MedGen C3809655, MONDO:0014208, OMIM 615490.

gnomAD v4.1: 2 of 1,613,984 alleles (0.00012%); highest among the groups gnomAD compares: Non-Finnish European, 0.00017%; no homozygotes.

Submissions (2):

CeGaT Center for Human Genetics Tuebingen
Classification: Likely benign. Last evaluated: 2023-12-01. Review status: criteria provided, single submitter. Criteria: CeGaT Center For Human Genetics Tuebingen Variant Classification Criteria Version 2. Collection method: clinical testing. Allele origin: germline. Affected: yes. Observed: 1 variant allele.
Comment: TRIM2: PM2:Supporting, BP4, BP7

Labcorp Genetics (formerly Invitae), Labcorp
Classification: Likely benign for Charcot-Marie-Tooth disease type 2R. Last evaluated: 2021-12-21. Review status: criteria provided, single submitter. Criteria: Invitae Variant Classification Sherloc (09022015). Collection method: clinical testing. Allele origin: germline.